The following is an entry in ClinVar:

NM_005896.4(IDH1):c.383T>C (p.Ile128Thr)

Gene: IDH1 (isocitrate dehydrogenase (NADP(+)) 1; minus strand). Cytogenetic location: 2q34.
Variant type: single nucleotide variant.
Coding change: c.383T>C on transcript NM_005896.4 (MANE Select); coding-DNA position 383, T replaced by C.
Protein change: p.Ile128Thr; replaces isoleucine 128 with threonine.
Molecular consequence: missense variant.
Genome position (GRCh38, 1-based): chr2:208,248,400, A>G on the plus strand (T>C on the coding strand, the complement: IDH1 is on the minus strand). VCF-style: chr2-208248400-A-G. GRCh37 (hg19) VCF-style: chr2-209113124-A-G.
Other names: c.383T>C, p.Ile128Thr (NM_001282386.1, NM_001282387.1); short protein forms I128T.
Identifiers: ClinVar variation 1735429 (VCV001735429.2), dbSNP rs1408229360, ClinGen allele CA350101075.

ClinVar aggregate classification (germline): Uncertain significance (1 of 4 stars; one submission).

Allele frequency attached by ClinVar (database versions not stated): gnomAD 0.00001; gnomAD exomes 0.00001; TOPMed 0.00002.
gnomAD v4.1: 11 of 1,613,792 alleles (0.00068%); highest among the groups gnomAD compares: African/African-American, 0.0013%; no homozygotes.

Submission:

Ambry Genetics
Classification: Uncertain significance. Last evaluated: 2024-02-24. Review status: criteria provided, single submitter. Criteria: Ambry Variant Classification Scheme 2023. Collection method: clinical testing. Allele origin: germline.
Comment: The p.I128T variant (also known as c.383T>C), located in coding exon 2 of the IDH1 gene, results from a T to C substitution at nucleotide position 383. The isoleucine at codon 128 is replaced by threonine, an amino acid with similar properties. This amino acid position is conserved. In addition, this alteration is predicted to be deleterious by in silico analysis. Since supporting evidence is limited at this time, the clinical significance of this alteration remains unclear.